The following is an entry in ClinVar:

NM_000540.3(RYR1):c.8843C>G (p.Ser2948Trp)

Gene: RYR1 (ryanodine receptor 1; plus strand). Cytogenetic location: 19q13.2.
Variant type: single nucleotide variant.
Coding change: c.8843C>G on transcript NM_000540.3 (MANE Select); coding-DNA position 8843, C replaced by G.
Protein change: p.Ser2948Trp; replaces serine 2948 with tryptophan.
Molecular consequence: missense variant.
Genome position (GRCh38, 1-based): chr19:38,507,738, C>G. VCF-style: chr19-38507738-C-G. GRCh37 (hg19) VCF-style: chr19-38998378-C-G.
Other names: c.8843C>G, p.Ser2948Trp (NM_001042723.2); short protein forms S2948W.
Identifiers: ClinVar variation 580917 (VCV000580917.11), dbSNP rs759514075, ClinGen allele CA072842.

ClinVar aggregate classification (germline): Uncertain significance. Review status: criteria provided, multiple submitters, no conflicts (2 of 4 stars). 4 submissions from 4 submitters: Uncertain significance (4). Last evaluated 2026-09-01.

Conditions:
Malignant hyperthermia, susceptibility to, 1 (MHS1). Also called: Anesthesia related hyperthermia; Malignant hyperpyrexia; Fulminating hyperpyrexia; Pharmacogenic myopathy; Malignant hyperthermia suceptibility 1; RYR1-Related Malignant Hyperthermia Susceptibility. Identifiers: Orphanet 423, MedGen C2930980, MONDO:0007783, OMIM 145600.
Congenital multicore myopathy with external ophthalmoplegia (CMYO1B). Also called: Minicore myopathy with external ophthalmoplegia; Congenital myopathy 1B, autosomal recessive; Minicore myopathy; MULTICORE MYOPATHY; MULTIMINICORE DISEASE WITH EXTERNAL OPHTHALMOPLEGIA. Identifiers: Orphanet 598, Orphanet 98905, MedGen C1850674, MONDO:0009712, OMIM 255320, HP:0003789.
King Denborough syndrome (KDS). Identifiers: MedGen C1840365, MONDO:0020485, OMIM 619542.
Congenital myopathy with fiber type disproportion. Also called: Congenital fiber-type disproportion myopathy; Congenital fiber-type disproportion. Identifiers: Orphanet 2020, MedGen C0546264, MONDO:0009711. Inheritance: all.
Central core myopathy (CMYO1A). Also called: Central core disease; Myopathy, central fibrillar; CONGENITAL MYOPATHY 1A, AUTOSOMAL DOMINANT, WITH SUSCEPTIBILITY TO MALIGNANT HYPERTHERMIA. Identifiers: Orphanet 597, MedGen C5830701, MONDO:0007294, OMIM 117000.
RYR1-related disorder. Also called: RYR1-related condition; RYR1-related disorders. Identifiers: MedGen CN239331.

Allele frequency attached by ClinVar (database versions not stated): gnomAD exomes below 0.00001; ExAC 0.00001.

Submissions (4):

CeGaT Center for Human Genetics Tuebingen
Classification: Uncertain significance. Last evaluated: 2026-09-01. Review status: criteria provided, single submitter. Criteria: CeGaT Center For Human Genetics Tuebingen Variant Classification Criteria Version 2. Collection method: clinical testing. Allele origin: germline. Affected: yes. Observed: 1 variant allele.
Comment: RYR1: PM2

Color Diagnostics, LLC DBA Color Health
Classification: Uncertain significance for Malignant hyperthermia, susceptibility to, 1. Last evaluated: 2025-06-24. Review status: criteria provided, single submitter. Criteria: ACMG Guidelines, 2015. Collection method: clinical testing. Allele origin: germline.
Comment: This missense variant replaces serine with tryptophan at codon 2948 of the RYR1 protein. Computational prediction suggests that this variant may not impact protein structure and function. To our knowledge, functional studies have not been reported for this variant. This variant has not been reported in individuals affected with RYR1-related disorders in the literature. This variant has been identified in 1/251488 chromosomes in the general population by the Genome Aggregation Database (gnomAD). The available evidence is insufficient to determine the role of this variant in disease conclusively. Therefore, this variant is classified as a Variant of Uncertain Significance.

Labcorp Genetics (formerly Invitae), Labcorp
Classification: Uncertain significance for RYR1-related disorder. Last evaluated: 2024-07-17. Review status: criteria provided, single submitter. Criteria: Invitae Variant Classification Sherloc (09022015). Collection method: clinical testing. Allele origin: germline.
Comment: This sequence change replaces serine, which is neutral and polar, with tryptophan, which is neutral and slightly polar, at codon 2948 of the RYR1 protein (p.Ser2948Trp). This variant is present in population databases (rs759514075, gnomAD 0.0009%). This variant has not been reported in the literature in individuals affected with RYR1-related conditions. ClinVar contains an entry for this variant (Variation ID: 580917). Advanced modeling of protein sequence and biophysical properties (such as structural, functional, and spatial information, amino acid conservation, physicochemical variation, residue mobility, and thermodynamic stability) performed at Invitae indicates that this missense variant is not expected to disrupt RYR1 protein function with a negative predictive value of 95%. In summary, the available evidence is currently insufficient to determine the role of this variant in disease. Therefore, it has been classified as a Variant of Uncertain Significance.

Fulgent Genetics
Classification: Uncertain significance for Central core myopathy; Malignant hyperthermia, susceptibility to, 1; Congenital myopathy 4A, autosomal dominant; Congenital multicore myopathy with external ophthalmoplegia; King Denborough syndrome. Last evaluated: 2021-11-16. Review status: criteria provided, single submitter. Criteria: ACMG Guidelines, 2015. Collection method: clinical testing. Allele origin: unknown.